The following is an entry in ClinVar:

ClinVar aggregate classification (germline): Likely pathogenic. Review status: criteria provided, multiple submitters, no conflicts (2 of 4 stars). 3 submissions from 3 submitters: Likely pathogenic (2). 1 of the submissions does not count toward it. Last evaluated 2016-09-20.

Conditions:
Intellectual developmental disorder, autosomal recessive 2. Also called: Intellectual disability, autosomal recessive 2; MENTAL RETARDATION, AUTOSOMAL RECESSIVE 2A. Identifiers: Orphanet 88616, MedGen C1843942, MONDO:0011828, OMIM 607417.

gnomAD v4.1: 1 of 1,613,810 alleles (0.000062%); highest among the groups gnomAD compares: Non-Finnish European, 0.000085%; no homozygotes.

Submissions (3):

GeneDx
Classification: Likely pathogenic. Last evaluated: 2016-09-20. Review status: criteria provided, single submitter. Criteria: GeneDx Variant Classification (06012015). Collection method: clinical testing. Allele origin: germline. Affected: yes.
Comment: The C391R variant in the CRBN gene has not been reported previously as a pathogenic variant, nor as a benign variant, to our knowledge. However, it is reported as a likely pathogenic variant in ClinVar by a different clinical laboratory (ClinVar SCV000245467.1; Landrum et al., 2015). The C391R variant was not observed in approximately 6500 individuals of European and African American ancestry in the NHLBI Exome Sequencing Project, indicating it is not a common benign variant in these populations. The C391R variant is a non-conservative amino acid substitution, which is likely to impact secondary protein structure as these residues differ in polarity, charge, size and/or other properties. This substitution occurs at a position that is conserved across species. In silico analysis predicts this variant is probably damaging to the protein structure/function. The C391R variant is a strong candidate for a pathogenic variant; however, the possibility it may be a rare benign variant cannot be excluded.

Baylor Genetics
Classification: Likely pathogenic for Mental retardation, autosomal recessive 2. Last evaluated: 2014-03-06. Review status: criteria provided, single submitter. Criteria: Yang et al. 2013. Collection method: clinical testing. Allele origin: germline. Inheritance: Autosomal recessive inheritance. Affected: yes. Observed: 1 variant allele, 1 homozygote. Study: Adult_WES.

OMIM
Classification: Pathogenic for INTELLECTUAL DEVELOPMENTAL DISORDER, AUTOSOMAL RECESSIVE 2. Last evaluated: 2022-04-05. Review status: no assertion criteria provided. Collection method: literature only. Allele origin: germline. Not counted in ClinVar's aggregate classification.

Literature cited by the submitters: PubMed 26633545 (cited by Baylor Genetics); PubMed 28143899 (cited by OMIM).

NM_016302.4(CRBN):c.1171T>C (p.Cys391Arg)

Genes: TRNT1 (tRNA nucleotidyl transferase 1; plus strand), CRBN (cereblon; minus strand). Cytogenetic location: 3p26.2.
Variant type: single nucleotide variant.
Coding change: c.1171T>C on transcript NM_016302.4 (MANE Select); coding-DNA position 1171, T replaced by C.
Protein change: p.Cys391Arg; replaces cysteine 391 with arginine.
Molecular consequence: missense variant. On other transcripts: 3 prime UTR variant (1), non-coding transcript variant (3).
Genome position (GRCh38, 1-based): chr3:3,151,023, A>G on the plus strand (T>C on the coding strand, the complement: CRBN is on the minus strand). VCF-style: chr3-3151023-A-G. GRCh37 (hg19) VCF-style: chr3-3192707-A-G.
Other names: c.*517A>G (NM_001367321.1); c.1168T>C, p.Cys390Arg (NM_001173482.1); short protein forms C391R, C390R.
Identifiers: ClinVar variation 209144 (VCV000209144.6), dbSNP rs797045036, ClinGen allele CA250335.
Genomic context (GRCh38, chr3:3,151,023, plus strand): 5'-GTGACATGTCTTTTTTGGTGGCCGTAAACTTCCATCCAATATGGCTTGCACAGATCTTAC[A>G]CTGGGCAACAGTCCAGGCATACCTAAGAAATTAAGGAAAGATATCAGCTAAGGAAACATT-3'
Protein context (NP_057386.2, residues 381-401): FPGYAWTVAQ[Cys391Arg]KICASHIGWK